The following is an entry in ClinVar:

NM_003060.4(SLC22A5):c.244C>T (p.Arg82Cys)

Gene: SLC22A5 (solute carrier family 22 member 5; plus strand). Cytogenetic location: 5q31.1.
Variant type: single nucleotide variant.
Coding change: c.244C>T on transcript NM_003060.4 (MANE Select); coding-DNA position 244, C replaced by T.
Protein change: p.Arg82Cys; replaces arginine 82 with cysteine.
Molecular consequence: missense variant.
Genome position (GRCh38, 1-based): chr5:132,370,216, C>T. VCF-style: chr5-132370216-C-T. GRCh37 (hg19) VCF-style: chr5-131705908-C-T.
Other names: c.244C>T, p.Arg82Cys (NM_001308122.2); short protein forms R82C.
Identifiers: ClinVar variation 652778 (VCV000652778.11), dbSNP rs955061461, ClinGen allele CA127196499.
Genomic context (GRCh38, chr5:132,370,216, plus strand): 5'-TGGCGCAACCACACTGTCCCACTGCGGCTGCGGGACGGCCGCGAGGTGCCCCACAGCTGC[C>T]GCCGCTACCGGCTCGCCACCATCGCCAACTTCTCGGCGCTTGGGCTGGAGCCGGGGCGCG-3'
Protein context (NP_003051.1, residues 72-92): RDGREVPHSC[Arg82Cys]RYRLATIANF

ClinVar aggregate classification (germline): Uncertain significance. Review status: criteria provided, single submitter (1 of 4 stars). 2 submissions from 2 submitters: Uncertain significance (1). 1 of the submissions does not count toward it. Last evaluated 2025-12-09.

Conditions:
Decreased circulating carnitine concentration. Also called: Decreased plasma carnitine. Identifiers: MedGen C5848230, HP:0003234.
Renal carnitine transport defect (CDSP). Also called: CARNITINE DEFICIENCY, SYSTEMIC, DUE TO DEFECT IN RENAL REABSORPTION OF CARNITINE; CARNITINE TRANSPORTER, PLASMA-MEMBRANE, DEFICIENCY OF; CARNITINE UPTAKE DEFECT; Carnitine transporter deficiency; Primary carnitine deficiency; Systemic primary carnitine deficiency. Identifiers: Orphanet 158, MedGen C0342788, MONDO:0008919, OMIM 212140.

Allele frequency attached by ClinVar (database versions not stated): gnomAD 0.00001 and 0.00002; TOPMed 0.00002.

Submissions (2):

Labcorp Genetics (formerly Invitae), Labcorp
Classification: Uncertain significance for Renal carnitine transport defect. Last evaluated: 2025-12-09. Review status: criteria provided, single submitter. Criteria: Invitae Variant Classification Sherloc (09022015). Collection method: clinical testing. Allele origin: germline.
Comment: This sequence change replaces arginine, which is basic and polar, with cysteine, which is neutral and slightly polar, at codon 82 of the SLC22A5 protein (p.Arg82Cys). This variant is not present in population databases (gnomAD no frequency). This variant has not been reported in the literature in individuals affected with SLC22A5-related conditions. ClinVar contains an entry for this variant (Variation ID: 652778). Invitae Evidence Modeling of protein sequence and biophysical properties (such as structural, functional, and spatial information, amino acid conservation, physicochemical variation, residue mobility, and thermodynamic stability) indicates that this missense variant is expected to disrupt SLC22A5 protein function with a positive predictive value of 95%. In summary, the available evidence is currently insufficient to determine the role of this variant in disease. Therefore, it has been classified as a Variant of Uncertain Significance.

Natera, Inc.
Classification: Uncertain significance for Carnitine deficiency. Last evaluated: 2020-07-12. Review status: no assertion criteria provided. Collection method: clinical testing. Allele origin: germline. Not counted in ClinVar's aggregate classification.